The following is an entry in ClinVar:

ClinVar aggregate classification (germline): Pathogenic (1 of 4 stars; one submission).

Submission:

Labcorp Genetics (formerly Invitae), Labcorp
Classification: Pathogenic. Last evaluated: 2021-04-17. Review status: criteria provided, single submitter. Criteria: Invitae Variant Classification Sherloc (09022015). Collection method: clinical testing. Allele origin: germline.
Comment: This sequence change creates a premature translational stop signal (p.Ser1349*) in the PCLO gene. It is expected to result in an absent or disrupted protein product. Loss-of-function variants in PCLO are known to be pathogenic (PMID: 25832664, 30287594). This variant is not present in population databases (ExAC no frequency). This variant has not been reported in the literature in individuals with PCLO-related conditions. For these reasons, this variant has been classified as Pathogenic.

Literature cited by the submitters: PubMed 25832664; PubMed 30287594.

NM_033026.6(PCLO):c.4046C>G (p.Ser1349Ter)

Gene: PCLO (piccolo presynaptic cytomatrix protein; minus strand). Cytogenetic location: 7q21.11.
Variant type: single nucleotide variant.
Coding change: c.4046C>G on transcript NM_033026.6 (MANE Select); coding-DNA position 4046, C replaced by G.
Protein change: p.Ser1349Ter; replaces serine 1349 with a stop codon.
Molecular consequence: nonsense.
Genome position (GRCh38, 1-based): chr7:82,956,907, G>C on the plus strand (C>G on the coding strand, the complement: PCLO is on the minus strand). VCF-style: chr7-82956907-G-C. GRCh37 (hg19) VCF-style: chr7-82586223-G-C.
Other names: c.4046C>G, p.Ser1349Ter (NM_014510.3); short protein forms S1349*.
Identifiers: ClinVar variation 1456245 (VCV001456245.3), dbSNP rs2115582108, ClinGen allele CA367929014.